The following is an entry in ClinVar:

NM_001365951.3(KIF1B):c.1331C>A (p.Ser444Tyr)

Gene: KIF1B (kinesin family member 1B; plus strand). Cytogenetic location: 1p36.22.
Variant type: single nucleotide variant.
Coding change: c.1331C>A on transcript NM_001365951.3 (MANE Select); coding-DNA position 1331, C replaced by A.
Protein change: p.Ser444Tyr; replaces serine 444 with tyrosine.
Molecular consequence: missense variant.
Genome position (GRCh38, 1-based): chr1:10,282,430, C>A. VCF-style: chr1-10282430-C-A. GRCh37 (hg19) VCF-style: chr1-10342488-C-A.
Other names: c.1331C>A, p.Ser444Tyr (NM_001365952.1); c.1193C>A, p.Ser398Tyr (NM_001365953.1, NM_015074.3, NM_183416.4); short protein forms S398Y, S444Y.
Identifiers: ClinVar variation 3226341 (VCV003226341.1), dbSNP rs2521255966, ClinGen allele CA338336248.

ClinVar aggregate classification (germline): Uncertain significance (1 of 4 stars; one submission).

Submission:

Ambry Genetics
Classification: Uncertain significance. Last evaluated: 2023-12-11. Review status: criteria provided, single submitter. Criteria: Ambry Variant Classification Scheme 2023. Collection method: clinical testing. Allele origin: germline.
Comment: The p.S398Y variant (also known as c.1193C>A), located in coding exon 12 of the KIF1B gene, results from a C to A substitution at nucleotide position 1193. The serine at codon 398 is replaced by tyrosine, an amino acid with dissimilar properties. This amino acid position is conserved. In addition, the in silico prediction for this alteration is inconclusive. Since supporting evidence is limited at this time, the clinical significance of this alteration remains unclear.